The following is an entry in ClinVar:

ClinVar aggregate classification (germline): Uncertain significance (1 of 4 stars; one submission).

Conditions:
Cardiovascular phenotype. Identifiers: MedGen CN230736.

Allele frequency attached by ClinVar (database versions not stated): TOPMed below 0.00001; gnomAD exomes 0.00001; ExAC 0.00002; ESP Exome Variant Server 0.00008.
gnomAD v4.1: 3 of 1,601,338 alleles (0.00019%); highest among the groups gnomAD compares: Non-Finnish European, 0.00026%; no homozygotes.

Submission:

Ambry Genetics
Classification: Uncertain significance for Cardiovascular phenotype. Last evaluated: 2024-01-05. Review status: criteria provided, single submitter. Criteria: Ambry Variant Classification Scheme 2023. Collection method: clinical testing. Allele origin: germline.
Comment: The p.E32D variant (also known as c.96G>C), located in coding exon 2 of the SCN4B gene, results from a G to C substitution at nucleotide position 96. The glutamic acid at codon 32 is replaced by aspartic acid, an amino acid with highly similar properties. This amino acid position is highly conserved in available vertebrate species. In addition, the in silico prediction for this alteration is inconclusive. The evidence for this gene-disease relationship is limited; therefore, the clinical significance of this alteration is unclear.

NM_174934.4(SCN4B):c.96G>C (p.Glu32Asp)

Gene: SCN4B (sodium voltage-gated channel beta subunit 4; minus strand). Cytogenetic location: 11q23.3.
Variant type: single nucleotide variant.
Coding change: c.96G>C on transcript NM_174934.4 (MANE Select); coding-DNA position 96, G replaced by C.
Protein change: p.Glu32Asp; replaces glutamic acid 32 with aspartic acid.
Molecular consequence: missense variant. On other transcripts: 5 prime UTR variant (1), non-coding transcript variant (1), intron variant (1).
Genome position (GRCh38, 1-based): chr11:118,145,195, C>G on the plus strand (G>C on the coding strand, the complement: SCN4B is on the minus strand). VCF-style: chr11-118145195-C-G. GRCh37 (hg19) VCF-style: chr11-118015910-C-G.
Other names: c.-235G>C (NM_001142349.2); c.62-3859G>C (NM_001142348.2); short protein forms E32D.
Identifiers: ClinVar variation 3229291 (VCV003229291.1), dbSNP rs139327478, ClinGen allele CA6300293.
Genomic context (GRCh38, chr11:118,145,195, plus strand): 5'-GGGCAGCAGGATCTCCGTGCCATTGACAGCGTAGATGTCGGTGGCCTTTCCCACAGACAC[C>G]TCCAGCGACAGGGTTACGGGGAGCAGGAAGAGGCCTGTGTAAGGAGCACCGCCTCCCTTA-3'
Protein context (NP_777594.1, residues 22-42): LFLLPVTLSL[Glu32Asp]VSVGKATDIY